The following is an entry in ClinVar:

ClinVar aggregate classification (germline): Uncertain significance (1 of 4 stars; one submission).

Submission:

GeneDx
Classification: Uncertain significance. Last evaluated: 2026-01-22. Review status: criteria provided, single submitter. Criteria: GeneDx Variant Classification Process June 2021. Collection method: clinical testing. Allele origin: germline.
Comment: Alters the last nucleotide of the exon and is predicted to damage the splice donor site but the effect on protein function is unclear; Not observed at significant frequency in large population cohorts (gnomAD); Has not been previously published as pathogenic or benign to our knowledge

NM_181552.4(CUX1):c.828G>A (p.Val276=)

Gene: CUX1 (cut like homeobox 1; plus strand). Cytogenetic location: 7q22.1.
Variant type: single nucleotide variant.
Coding change: c.828G>A on transcript NM_181552.4 (MANE Select); coding-DNA position 828, G replaced by A.
Protein change: p.Val276=; no amino-acid change (valine 276 retained).
Molecular consequence: synonymous variant.
Genome position (GRCh38, 1-based): chr7:102,170,550, G>A. VCF-style: chr7-102170550-G-A. GRCh37 (hg19) VCF-style: chr7-101813830-G-A.
Other names: c.861G>A, p.Val287= (NM_001202543.2, NM_001913.5, NM_181500.4); c.813G>A, p.Val271= (NM_001202544.3); c.723G>A, p.Val241= (NM_001202545.3); c.750G>A, p.Val250= (NM_001202546.3).
Identifiers: ClinVar variation 4975468 (VCV004975468.1).
Genomic context (GRCh38, chr7:102,170,550, plus strand): 5'-GCTCTCATCGGCCAATCACTCCCTCCAGCTGGCCTCACAGATCCAGAAGGCACCAGACGT[G>A]GTGGGTAGCCCCGGCCCCGTGGGGGACTGTCCCCGCCTGGCCTCCGCACCTTCGAGTTAC-3'
Protein context (NP_853530.2, residues 266-286): LASQIQKAPD[Val276=]EQAIEVLTRS